The following is an entry in ClinVar:

NM_001291303.3(FAT4):c.2265A>C (p.Glu755Asp)

Gene: FAT4 (FAT atypical cadherin 4; plus strand). Cytogenetic location: 4q28.1.
Variant type: single nucleotide variant.
Coding change: c.2265A>C on transcript NM_001291303.3 (MANE Select); coding-DNA position 2265, A replaced by C.
Protein change: p.Glu755Asp; replaces glutamic acid 755 with aspartic acid.
Molecular consequence: missense variant.
Genome position (GRCh38, 1-based): chr4:125,318,676, A>C. VCF-style: chr4-125318676-A-C. GRCh37 (hg19) VCF-style: chr4-126239831-A-C.
Other names: c.2265A>C, p.Glu755Asp (NM_001291285.3, NM_024582.6); c.2265A>C (NM_024582.4); short protein forms E755D.
Identifiers: ClinVar variation 1401738 (VCV001401738.6), dbSNP rs377230037, ClinGen allele CA3072136.

ClinVar aggregate classification (germline): Uncertain significance. Review status: criteria provided, multiple submitters, no conflicts (2 of 4 stars). 2 submissions from 2 submitters: Uncertain significance (2). Last evaluated 2025-05-13.

Allele frequency attached by ClinVar (database versions not stated): gnomAD 0.00005 and 0.00004; gnomAD exomes 0.00010 and 0.00005; ESP Exome Variant Server 0.00008; TOPMed 0.00007; ExAC 0.00004.
gnomAD v4.1: 148 of 1,614,068 alleles (0.0092%); highest among the groups gnomAD compares: Non-Finnish European, 0.012%; no homozygotes.

Submissions (2):

GeneDx
Classification: Uncertain significance. Last evaluated: 2025-05-13. Review status: criteria provided, single submitter. Criteria: GeneDx Variant Classification Process June 2021. Collection method: clinical testing. Allele origin: germline. Affected: yes.
Comment: Not observed at significant frequency in large population cohorts (gnomAD); In silico analysis suggests that this missense variant does not alter protein structure/function; Has not been previously published as pathogenic or benign to our knowledge

Labcorp Genetics (formerly Invitae), Labcorp
Classification: Uncertain significance. Last evaluated: 2022-03-27. Review status: criteria provided, single submitter. Criteria: Invitae Variant Classification Sherloc (09022015). Collection method: clinical testing. Allele origin: germline.
Comment: This sequence change replaces glutamic acid, which is acidic and polar, with aspartic acid, which is acidic and polar, at codon 755 of the FAT4 protein (p.Glu755Asp). This variant is present in population databases (rs377230037, gnomAD 0.01%). This variant has not been reported in the literature in individuals affected with FAT4-related conditions. Advanced modeling of protein sequence and biophysical properties (such as structural, functional, and spatial information, amino acid conservation, physicochemical variation, residue mobility, and thermodynamic stability) performed at Invitae indicates that this missense variant is not expected to disrupt FAT4 protein function. In summary, the available evidence is currently insufficient to determine the role of this variant in disease. Therefore, it has been classified as a Variant of Uncertain Significance.